The following is an entry in ClinVar:

NM_021625.5(TRPV4):c.2584del (p.Arg862fs)

Gene: TRPV4 (transient receptor potential cation channel subfamily V member 4; minus strand). Cytogenetic location: 12q24.11.
Variant type: Deletion.
Coding change: c.2584del on transcript NM_021625.5 (MANE Select); coding-DNA position 2584, one base deleted (C; older notation c.2584delC).
Protein change: p.Arg862fs; shifts the reading frame from arginine 862.
Molecular consequence: frameshift variant.
Genome position (GRCh38, 1-based): chr12:109,783,653, G deleted on the plus strand (C on the coding strand, the reverse complement: TRPV4 is on the minus strand); the first of 5 consecutive G bases (chr12:109,783,653-109,783,657); deleting any one gives the same sequence. VCF-style (leftmost placement, unchanged base first): chr12-109783652-CG-C. GRCh37 (hg19) VCF-style: chr12-110221457-CG-C.
Other names: c.2584delC (NM_021625.4); c.2400delC, p.Arg802Alafs (NM_147204.3); c.2259delC, p.Arg755Alafs (NM_001177433.2); c.2580delC, p.Arg862Alafs (NM_021625.4); c.2439delC, p.Arg815Alafs (NM_001177428.2); c.2478delC, p.Arg828Alafs (NM_001177431.2); short protein forms R755fs, R802fs, R815fs, R828fs, R862fs.
Identifiers: ClinVar variation 423065 (VCV000423065.56), dbSNP rs746597270, ClinGen allele CA6779849.

ClinVar aggregate classification (germline): Conflicting classifications of pathogenicity. Review status: criteria provided, conflicting classifications (1 of 4 stars). 5 submissions from 5 submitters: Uncertain significance (4); Likely benign (1). Last evaluated 2025-08-23.

Conditions:
Inborn genetic diseases. Identifiers: MedGen C0950123, MeSH D030342.
Charcot-Marie-Tooth disease axonal type 2C (HMSN2C). Also called: Charcot-Marie-Tooth Disease Type 2, TRPV4-Related (CMT2C); CHARCOT-MARIE-TOOTH DISEASE, AXONAL, AUTOSOMAL DOMINANT, TYPE 2C; Charcot-Marie-Tooth Neuropathy Type 2C. Identifiers: Orphanet 99937, MedGen C1853710, MONDO:0011633, OMIM 606071.

Submissions (5):

Labcorp Genetics (formerly Invitae), Labcorp
Classification: Uncertain significance for Charcot-Marie-Tooth disease axonal type 2C. Last evaluated: 2025-08-23. Review status: criteria provided, single submitter. Criteria: Invitae Variant Classification Sherloc (09022015). Collection method: clinical testing. Allele origin: germline.
Comment: This sequence change is expected to alter the c-terminus of the TRPV4 protein (p.Arg862Alafs*25). While this is not anticipated to result in nonsense mediated decay, it is expected to disrupt the last 10 amino acid(s) of the TRPV4 protein and extend the protein by 14 additional amino acid residues. This variant is present in population databases (rs746597270, gnomAD 0.008%). This variant has not been reported in the literature in individuals affected with TRPV4-related conditions. ClinVar contains an entry for this variant (Variation ID: 423065). In summary, the available evidence is currently insufficient to determine the role of this variant in disease. Therefore, it has been classified as a Variant of Uncertain Significance.

GeneDx
Classification: Uncertain significance. Last evaluated: 2025-07-09. Review status: criteria provided, single submitter. Criteria: GeneDx Variant Classification Process June 2021. Collection method: clinical testing. Allele origin: germline. Affected: yes.
Comment: Frameshift variant predicted to result in abnormal protein length as the last 10 amino acids are replaced with 24 different amino acids; Has not been previously published as pathogenic or benign to our knowledge

Human Genetics Bochum, Ruhr University Bochum
Classification: Uncertain significance for Charcot-Marie-Tooth disease axonal type 2C. Last evaluated: 2023-08-17. Review status: criteria provided, single submitter. Criteria: ACMG Guidelines, 2015. Collection method: clinical testing. Allele origin: germline. Affected: yes.
Comment: ACMG criteria used to clasify this variant: PVS1_MOD

CeGaT Center for Human Genetics Tuebingen
Classification: Uncertain significance. Last evaluated: 2023-02-01. Review status: criteria provided, single submitter. Criteria: CeGaT Center For Human Genetics Tuebingen Variant Classification Criteria Version 2. Collection method: clinical testing. Allele origin: germline. Affected: yes. Observed: 2 variant alleles.
Comment: TRPV4: PM4

Ambry Genetics
Classification: Likely benign for Inborn genetic diseases. Last evaluated: 2019-09-17. Review status: criteria provided, single submitter. Criteria: Ambry Variant Classification Scheme 2023. Collection method: clinical testing. Allele origin: germline.